The following is an entry in ClinVar:

ClinVar aggregate classification (germline): Uncertain significance (1 of 4 stars; one submission).

Conditions:
Glycogen storage disease XV (GSD15). Also called: GLYCOGENIN DEFICIENCY; GSD XV. Identifiers: Orphanet 263297, MedGen C3150754, MONDO:0013291, OMIM 613507.
Polyglucosan body myopathy type 2. Identifiers: Orphanet 456369, MedGen C4015452, MONDO:0014526, OMIM 616199.

Allele frequency attached by ClinVar (database versions not stated): gnomAD exomes 0.00001.
gnomAD v4.1: 3 of 1,612,648 alleles (0.00019%); highest among the groups gnomAD compares: Admixed American, 0.005%; no homozygotes.

Submission:

Labcorp Genetics (formerly Invitae), Labcorp
Classification: Uncertain significance for Polyglucosan body myopathy type 2; Glycogen storage disease XV. Last evaluated: 2021-11-10. Review status: criteria provided, single submitter. Criteria: Invitae Variant Classification Sherloc (09022015). Collection method: clinical testing. Allele origin: germline.
Comment: This variant is present in population databases (no rsID available, gnomAD 0.009%). This variant has not been reported in the literature in individuals affected with GYG1-related conditions. Algorithms developed to predict the effect of missense changes on protein structure and function are either unavailable or do not agree on the potential impact of this missense change (SIFT: "Deleterious"; PolyPhen-2: "Probably Damaging"; Align-GVGD: "Class C0"). In summary, the available evidence is currently insufficient to determine the role of this variant in disease. Therefore, it has been classified as a Variant of Uncertain Significance. This sequence change replaces leucine, which is neutral and non-polar, with valine, which is neutral and non-polar, at codon 74 of the GYG1 protein (p.Leu74Val).

NM_004130.4(GYG1):c.220T>G (p.Leu74Val)

Gene: GYG1 (glycogenin 1; plus strand). Cytogenetic location: 3q24.
Variant type: single nucleotide variant.
Coding change: c.220T>G on transcript NM_004130.4 (MANE Select); coding-DNA position 220, T replaced by G.
Protein change: p.Leu74Val; replaces leucine 74 with valine.
Molecular consequence: missense variant.
Genome position (GRCh38, 1-based): chr3:148,996,378, T>G. VCF-style: chr3-148996378-T-G. GRCh37 (hg19) VCF-style: chr3-148714165-T-G.
Other names: c.220T>G, p.Leu74Val (NM_001184720.2, NM_001184721.2); short protein forms L74V.
Identifiers: ClinVar variation 1392356 (VCV001392356.6), dbSNP rs1398931853, ClinGen allele CA354911454.